The following is an entry in ClinVar:

ClinVar aggregate classification (germline): Likely benign (1 of 4 stars; one submission).

Conditions:
SEMA7A-related disorder. Also called: SEMA7A-related condition.

gnomAD v4.1: 331 of 1,614,126 alleles (0.021%); highest among the groups gnomAD compares: South Asian, 0.33%; 1 homozygote.

Submission:

PreventionGenetics, part of Exact Sciences
Classification: Likely benign for SEMA7A-related condition. Last evaluated: 2026-07-13. Review status: criteria provided, single submitter. Criteria: ACMG Guidelines, 2015. Collection method: clinical testing. Allele origin: germline.
Comment: This variant is classified as likely benign based on ACMG/AMP sequence variant interpretation guidelines (Richards et al. 2015 PMID: 25741868, with internal and published modifications).

NM_003612.5(SEMA7A):c.1116G>A (p.Pro372=)

Gene: SEMA7A (semaphorin 7A (JohnMiltonHagen blood group); minus strand). Cytogenetic location: 15q24.1.
Variant type: single nucleotide variant.
Coding change: c.1116G>A on transcript NM_003612.5 (MANE Select); coding-DNA position 1116, G replaced by A.
Protein change: p.Pro372=; no amino-acid change (proline 372 retained).
Molecular consequence: synonymous variant.
Genome position (GRCh38, 1-based): chr15:74,414,725, C>T on the plus strand (G>A on the coding strand, the complement: SEMA7A is on the minus strand). VCF-style: chr15-74414725-C-T. GRCh37 (hg19) VCF-style: chr15-74707066-C-T.
Other names: c.1074G>A, p.Pro358= (NM_001146029.3); c.621G>A, p.Pro207= (NM_001146030.3).
Identifiers: ClinVar variation 4980304 (VCV004980304.1).